The following is an entry in ClinVar:

ClinVar aggregate classification (germline): Uncertain significance. Review status: criteria provided, multiple submitters, no conflicts (2 of 4 stars). 2 submissions from 2 submitters: Uncertain significance (2). Last evaluated 2024-07-30.

Conditions:
Combined oxidative phosphorylation defect type 27. Also called: Combined oxidative phosphorylation deficiency 27. Identifiers: Orphanet 477774, MedGen C5567608, MONDO:0014728, OMIM 616672.
Inborn genetic diseases. Identifiers: MedGen C0950123, MeSH D030342.

Allele frequency attached by ClinVar (database versions not stated): gnomAD below 0.00001 and 0.00001; ExAC 0.00001; gnomAD exomes 0.00001 and 0.00003.

Submissions (2):

Ambry Genetics
Classification: Uncertain significance for Inborn genetic diseases. Last evaluated: 2024-07-30. Review status: criteria provided, single submitter. Criteria: Ambry Variant Classification Scheme 2023. Collection method: clinical testing. Allele origin: germline.

Labcorp Genetics (formerly Invitae), Labcorp
Classification: Uncertain significance for Combined oxidative phosphorylation defect type 27. Last evaluated: 2021-12-03. Review status: criteria provided, single submitter. Criteria: Invitae Variant Classification Sherloc (09022015). Collection method: clinical testing. Allele origin: germline.
Comment: This sequence change replaces tyrosine, which is neutral and polar, with cysteine, which is neutral and slightly polar, at codon 94 of the CARS2 protein (p.Tyr94Cys). This variant is present in population databases (rs775441980, gnomAD 0.02%). This variant has not been reported in the literature in individuals affected with CARS2-related conditions. ClinVar contains an entry for this variant (Variation ID: 1040693). Algorithms developed to predict the effect of missense changes on protein structure and function (SIFT, PolyPhen-2, Align-GVGD) all suggest that this variant is likely to be disruptive. In summary, the available evidence is currently insufficient to determine the role of this variant in disease. Therefore, it has been classified as a Variant of Uncertain Significance.

NM_024537.4(CARS2):c.281A>G (p.Tyr94Cys)

Gene: CARS2 (cysteinyl-tRNA synthetase 2, mitochondrial; minus strand). Cytogenetic location: 13q34.
Variant type: single nucleotide variant.
Coding change: c.281A>G on transcript NM_024537.4 (MANE Select); coding-DNA position 281, A replaced by G.
Protein change: p.Tyr94Cys; replaces tyrosine 94 with cysteine.
Molecular consequence: missense variant. On other transcripts: 5 prime UTR variant (1), non-coding transcript variant (2).
Genome position (GRCh38, 1-based): chr13:110,701,550, T>C on the plus strand (A>G on the coding strand, the complement: CARS2 is on the minus strand). VCF-style: chr13-110701550-T-C. GRCh37 (hg19) VCF-style: chr13-111353897-T-C.
Other names: c.-719A>G (NM_001352252.2); c.281A>G, p.Tyr94Cys (NM_001352253.3); c.281A>G (NM_024537.2); short protein forms Y94C.
Identifiers: ClinVar variation 1040693 (VCV001040693.7), dbSNP rs775441980, ClinGen allele CA7052320.